The following is an entry in ClinVar:

ClinVar aggregate classification (germline): Uncertain significance (1 of 4 stars; one submission).

gnomAD v4.1: 46 of 1,544,724 alleles (0.003%); highest among the groups gnomAD compares: South Asian, 0.022%; 1 homozygote.

Submission:

Labcorp Genetics (formerly Invitae), Labcorp
Classification: Uncertain significance. Last evaluated: 2025-02-08. Review status: criteria provided, single submitter. Criteria: Invitae Variant Classification Sherloc (09022015). Collection method: clinical testing. Allele origin: germline.
Comment: This sequence change affects codon 572 of the MAGEL2 mRNA. It is a 'silent' change, meaning that it does not change the encoded amino acid sequence of the MAGEL2 protein. This variant is present in population databases (rs779629239, gnomAD 0.02%). This variant has not been reported in the literature in individuals affected with MAGEL2-related conditions. In summary, the available evidence is currently insufficient to determine the role of this variant in disease. Therefore, it has been classified as a Variant of Uncertain Significance.

NM_019066.5(MAGEL2):c.1716C>T (p.Ala572=)

Gene: MAGEL2 (MAGE family member L2; minus strand). Cytogenetic location: 15q11.2.
Variant type: single nucleotide variant.
Coding change: c.1716C>T on transcript NM_019066.5 (MANE Select); coding-DNA position 1716, C replaced by T.
Protein change: p.Ala572=; no amino-acid change (alanine 572 retained).
Molecular consequence: synonymous variant.
Genome position (GRCh38, 1-based): chr15:23,646,027, G>A on the plus strand (C>T on the coding strand, the complement: MAGEL2 is on the minus strand). VCF-style: chr15-23646027-G-A. GRCh37 (hg19) VCF-style: chr15-23891174-G-A.
Identifiers: ClinVar variation 4694111 (VCV004694111.1).